The following is an entry in ClinVar:

NM_004100.5(EYA4):c.1416_1417del (p.Gly473fs)

Genes: TARID (TCF21 antisense RNA inducing promoter demethylation; minus strand), EYA4 (EYA transcriptional coactivator and phosphatase 4; plus strand). Cytogenetic location: 6q23.2.
Variant type: Microsatellite.
Coding change: c.1416_1417del on transcript NM_004100.5 (MANE Select); coding-DNA positions 1416 to 1417, 2 bases deleted (AG; older notation c.1416_1417delAG).
Protein change: p.Gly473fs; shifts the reading frame from glycine 473.
Molecular consequence: frameshift variant.
Genome position (GRCh38, 1-based): chr6:133,512,953-133,512,954, AG deleted; deleting any 2 consecutive bases within chr6:133,512,951-133,512,954 gives the same sequence; the c. name uses the placement nearest the transcript's 3' end. VCF-style (leftmost placement, unchanged base first): chr6-133512950-AAG-A. GRCh37 (hg19) VCF-style: chr6-133834088-AAG-A.
Other names: c.1254_1255del, p.Gly419fs (NM_001301012.2); c.1434_1435del, p.Gly479fs (NM_001301013.2); c.1347_1348del, p.Gly450fs (NM_001370458.1, NM_172103.4); c.1272_1273del, p.Gly425fs (NM_001370459.1); c.1416_1417del, p.Gly473fs (NM_172105.4); short protein forms G479fs, G473fs, G419fs, G425fs, G450fs.
Identifiers: ClinVar variation 2825147 (VCV002825147.3), dbSNP rs2535340134, ClinGen allele CA2739266153.

ClinVar aggregate classification (germline): Pathogenic (1 of 4 stars; one submission).

Conditions:
Dilated cardiomyopathy 1J (CMD1J). Also called: CARDIOMYOPATHY, DILATED, WITH SENSORINEURAL HEARING LOSS, AUTOSOMAL DOMINANT. Identifiers: Orphanet 217622, MedGen C1854368, MONDO:0011541, OMIM 605362.

Submission:

Labcorp Genetics (formerly Invitae), Labcorp
Classification: Pathogenic for Dilated cardiomyopathy 1J. Last evaluated: 2023-01-08. Review status: criteria provided, single submitter. Criteria: Invitae Variant Classification Sherloc (09022015). Collection method: clinical testing. Allele origin: germline.
Comment: This sequence change creates a premature translational stop signal (p.Gly473Argfs*3) in the EYA4 gene. It is expected to result in an absent or disrupted protein product. Loss-of-function variants in EYA4 are known to be pathogenic (PMID: 11159937, 25781927, 25963406). This variant is not present in population databases (gnomAD no frequency). For these reasons, this variant has been classified as Pathogenic. This variant has not been reported in the literature in individuals affected with EYA4-related conditions.

Literature cited by the submitters: PubMed 11159937; PubMed 25781927; PubMed 25963406.